The following is an entry in ClinVar:

ClinVar aggregate classification (germline): Uncertain significance (1 of 4 stars; one submission).

gnomAD v4.1: 2 of 1,614,216 alleles (0.00012%); highest among the groups gnomAD compares: Non-Finnish European, 0.00017%; no homozygotes.

Submission:

OLLIN Analises Genomicas, OLLIN
Classification: Uncertain significance. Last evaluated: 2026-08-06. Review status: criteria provided, single submitter. Criteria: ACMG Guidelines 2015 PMID 25741868. Collection method: clinical testing. Allele origin: germline.
Comment: This missense variant, located in exon 23 (of 40), has been observed in gnomAD with an allele frequency of 0.00012%, but has not been reported in ClinVar or identified in the literature. In silico analysis is inconclusive regarding the impact of this variant. According to the currently available evidence, this variant has been classified as uncertain significance (PM2_P).

NM_003024.3(ITSN1):c.2858A>G (p.Glu953Gly)

Gene: ITSN1 (intersectin 1; plus strand). Cytogenetic location: 21q22.11.
Variant type: single nucleotide variant.
Coding change: c.2858A>G on transcript NM_003024.3 (MANE Select); coding-DNA position 2858, A replaced by G.
Protein change: p.Glu953Gly; replaces glutamic acid 953 with glycine.
Molecular consequence: missense variant.
Genome position (GRCh38, 1-based): chr21:33,818,397, A>G. VCF-style: chr21-33818397-A-G. GRCh37 (hg19) VCF-style: chr21-35190701-A-G.
Other names: c.2858A>G, p.Glu953Gly (NM_001001132.2, NM_001331008.2); c.2843A>G, p.Glu948Gly (NM_001331009.2, NM_001331010.2, NM_001331011.2); c.2732A>G, p.Glu911Gly (NM_001331012.2); short protein forms E911G, E953G, E948G.
Identifiers: ClinVar variation 5002765 (VCV005002765.1).